The following is an entry in ClinVar:

NM_001199107.2(TBC1D24):c.335G>A (p.Gly112Glu)

Gene: TBC1D24 (TBC1 domain family member 24; plus strand). Cytogenetic location: 16p13.3.
Variant type: single nucleotide variant.
Coding change: c.335G>A on transcript NM_001199107.2 (MANE Select); coding-DNA position 335, G replaced by A.
Protein change: p.Gly112Glu; replaces glycine 112 with glutamic acid.
Molecular consequence: missense variant.
Genome position (GRCh38, 1-based): chr16:2,496,483, G>A. VCF-style: chr16-2496483-G-A. GRCh37 (hg19) VCF-style: chr16-2546484-G-A.
Other names: c.335G>A, p.Gly112Glu (NM_020705.3); short protein forms G112E.
Identifiers: ClinVar variation 1730594 (VCV001730594.4), dbSNP rs2505513266, ClinGen allele CA394375566.

ClinVar aggregate classification (germline): Uncertain significance. Review status: criteria provided, multiple submitters, no conflicts (2 of 4 stars). 2 submissions from 2 submitters: Uncertain significance (2). Last evaluated 2023-11-10.

Conditions:
Inborn genetic diseases. Identifiers: MedGen C0950123, MeSH D030342.

Allele frequency attached by ClinVar (database versions not stated): gnomAD exomes below 0.00001.

Submissions (2):

Revvity Omics, Revvity
Classification: Uncertain significance. Last evaluated: 2023-11-10. Review status: criteria provided, single submitter. Criteria: ACMG Guidelines, 2015. Collection method: clinical testing. Allele origin: germline.

Ambry Genetics
Classification: Uncertain significance for Inborn genetic diseases. Last evaluated: 2018-11-12. Review status: criteria provided, single submitter. Criteria: Ambry Variant Classification Scheme 2023. Collection method: clinical testing. Allele origin: germline.
Comment: The p.G112E variant (also known as c.335G>A), located in coding exon 1 of the TBC1D24 gene, results from a G to A substitution at nucleotide position 335. The glycine at codon 112 is replaced by glutamic acid, an amino acid with similar properties. This amino acid position is not well conserved in available vertebrate species. In addition, this alteration is predicted to be tolerated by in silico analysis. Since supporting evidence is limited at this time, the clinical significance of this alteration remains unclear.